The following is an entry in ClinVar:

NM_199242.3(UNC13D):c.2089A>G (p.Met697Val)

Gene: UNC13D (unc-13 homolog D; minus strand). Cytogenetic location: 17q25.1.
Variant type: single nucleotide variant.
Coding change: c.2089A>G on transcript NM_199242.3 (MANE Select); coding-DNA position 2089, A replaced by G.
Protein change: p.Met697Val; replaces methionine 697 with valine.
Molecular consequence: missense variant.
Genome position (GRCh38, 1-based): chr17:75,834,620, T>C on the plus strand (A>G on the coding strand, the complement: UNC13D is on the minus strand). VCF-style: chr17-75834620-T-C. GRCh37 (hg19) VCF-style: chr17-73830701-T-C.
Other names: c.2089A>G (NM_199242.2); short protein forms M697V.
Identifiers: ClinVar variation 1430832 (VCV001430832.5), dbSNP rs977219681, ClinGen allele CA294086433.

ClinVar aggregate classification (germline): Uncertain significance. Review status: criteria provided, multiple submitters, no conflicts (2 of 4 stars). 2 submissions from 2 submitters: Uncertain significance (2). Last evaluated 2022-07-06.

Conditions:
Familial hemophagocytic lymphohistiocytosis 3 (FHL3). Also called: UNC13D-Related Familial Hemophagocytic Lymphohistiocytosis (UNC13D-fHLH). Identifiers: Orphanet 540, MedGen C1837174, MONDO:0012146, OMIM 608898.

Allele frequency attached by ClinVar (database versions not stated): gnomAD exomes below 0.00001; TOPMed below 0.00001.
gnomAD v4.1: 1 of 1,613,788 alleles (0.000062%); highest among the groups gnomAD compares: Admixed American, 0.0017%; no homozygotes.

Submissions (2):

Labcorp Genetics (formerly Invitae), Labcorp
Classification: Uncertain significance for Familial hemophagocytic lymphohistiocytosis 3. Last evaluated: 2022-07-06. Review status: criteria provided, single submitter. Criteria: Invitae Variant Classification Sherloc (09022015). Collection method: clinical testing. Allele origin: germline.
Comment: This sequence change replaces methionine with valine at codon 697 of the UNC13D protein (p.Met697Val). The methionine residue is moderately conserved and there is a small physicochemical difference between methionine and valine. This variant is present in population databases (no rsID available, gnomAD 0.003%). This variant has not been reported in the literature in individuals affected with UNC13D-related conditions. ClinVar contains an entry for this variant (Variation ID: 1430832). Algorithms developed to predict the effect of missense changes on protein structure and function are either unavailable or do not agree on the potential impact of this missense change (SIFT: "Not Available"; PolyPhen-2: "Benign"; Align-GVGD: "Not Available"). In summary, the available evidence is currently insufficient to determine the role of this variant in disease. Therefore, it has been classified as a Variant of Uncertain Significance.

Revvity Omics, Revvity
Classification: Uncertain significance for Familial hemophagocytic lymphohistiocytosis 3. Last evaluated: 2021-01-30. Review status: criteria provided, single submitter. Criteria: ACMG Guidelines, 2015. Collection method: clinical testing. Allele origin: germline.